The following is an entry in ClinVar:

ClinVar aggregate classification (germline): Uncertain significance (1 of 4 stars; one submission).

Conditions:
Charcot-Marie-Tooth disease type 2. Also called: Charcot-Marie-Tooth type 2. Identifiers: Orphanet 64746, MedGen C0270914, MONDO:0018993.

Submission:

Labcorp Genetics (formerly Invitae), Labcorp
Classification: Uncertain significance for Charcot-Marie-Tooth disease type 2. Last evaluated: 2024-05-17. Review status: criteria provided, single submitter. Criteria: Invitae Variant Classification Sherloc (09022015). Collection method: clinical testing. Allele origin: germline.
Comment: This sequence change replaces valine, which is neutral and non-polar, with methionine, which is neutral and non-polar, at codon 286 of the MFN2 protein (p.Val286Met). This variant is not present in population databases (gnomAD no frequency). This variant has not been reported in the literature in individuals affected with MFN2-related conditions. Advanced modeling of protein sequence and biophysical properties (such as structural, functional, and spatial information, amino acid conservation, physicochemical variation, residue mobility, and thermodynamic stability) performed at Invitae indicates that this missense variant is expected to disrupt MFN2 protein function with a positive predictive value of 95%. In summary, the available evidence is currently insufficient to determine the role of this variant in disease. Therefore, it has been classified as a Variant of Uncertain Significance.

NM_014874.4(MFN2):c.856G>A (p.Val286Met)

Gene: MFN2 (mitofusin 2; plus strand). Cytogenetic location: 1p36.22.
Variant type: single nucleotide variant.
Coding change: c.856G>A on transcript NM_014874.4 (MANE Select); coding-DNA position 856, G replaced by A.
Protein change: p.Val286Met; replaces valine 286 with methionine.
Molecular consequence: missense variant.
Genome position (GRCh38, 1-based): chr1:12,001,440, G>A. VCF-style: chr1-12001440-G-A. GRCh37 (hg19) VCF-style: chr1-12061497-G-A.
Other names: c.856G>A, p.Val286Met (NM_001127660.2); short protein forms V286M.
Identifiers: ClinVar variation 3653731 (VCV003653731.2).